The following is an entry in ClinVar:

NM_006087.4(TUBB4A):c.884A>C (p.Asp295Ala)

Gene: TUBB4A (tubulin beta 4A class IVa; minus strand). Cytogenetic location: 19p13.3.
Variant type: single nucleotide variant.
Coding change: c.884A>C on transcript NM_006087.4 (MANE Select); coding-DNA position 884, A replaced by C.
Protein change: p.Asp295Ala; replaces aspartic acid 295 with alanine.
Molecular consequence: missense variant.
Genome position (GRCh38, 1-based): chr19:6,495,615, T>G on the plus strand (A>C on the coding strand, the complement: TUBB4A is on the minus strand). VCF-style: chr19-6495615-T-G. GRCh37 (hg19) VCF-style: chr19-6495626-T-G.
Other names: c.1037A>C, p.Asp346Ala (NM_001289123.2); c.1019A>C, p.Asp340Ala (NM_001289127.2); c.884A>C, p.Asp295Ala (NM_001289129.2); c.668A>C, p.Asp223Ala (NM_001289130.2, NM_001289131.2); short protein forms D295A, D340A, D346A, D223A.
Identifiers: ClinVar variation 3975958 (VCV003975958.1).

ClinVar aggregate classification (germline): Uncertain significance (1 of 4 stars; one submission).

Conditions:
Inborn genetic diseases. Identifiers: MedGen C0950123, MeSH D030342.

Submission:

Ambry Genetics
Classification: Uncertain significance for Inborn genetic diseases. Last evaluated: 2025-04-22. Review status: criteria provided, single submitter. Criteria: Ambry Variant Classification Scheme 2023. Collection method: clinical testing. Allele origin: germline.
Comment: The c.884A>C (p.D295A) alteration is located in exon 4 (coding exon 4) of the TUBB4A gene. This alteration results from a A to C substitution at nucleotide position 884, causing the aspartic acid (D) at amino acid position 295 to be replaced by an alanine (A). This variant was not reported in population-based cohorts in the Genome Aggregation Database (gnomAD). This amino acid position is highly conserved in available vertebrate species. This missense alteration is located in a region that has a low rate of benign missense variation (Lek, 2016; Firth, 2009). This alteration is predicted to be deleterious by in silico analysis. Based on insufficient or conflicting evidence, the clinical significance of this alteration remains unclear.